The following is an entry in ClinVar:

NM_178857.6(RP1L1):c.7067C>T (p.Pro2356Leu)

Gene: RP1L1 (RP1 like 1). Cytogenetic location: 8p23.1.
Variant type: single nucleotide variant.
Coding change: c.7067C>T on transcript NM_178857.6 (MANE Select); coding-DNA position 7067, C replaced by T.
Protein change: p.Pro2356Leu; replaces proline 2356 with leucine.
Molecular consequence: missense variant.
Genome position (GRCh38, 1-based): chr8:10,607,031, G>A on the plus strand (C>T on the coding strand, the complement: RP1L1 is on the minus strand). VCF-style: chr8-10607031-G-A. GRCh37 (hg19) VCF-style: chr8-10464541-G-A.
Other names: short protein forms P2356L.
Identifiers: ClinVar variation 3155877 (VCV003155877.2), dbSNP rs771155586, ClinGen allele CA4623089.

ClinVar aggregate classification (germline): Uncertain significance. Review status: criteria provided, multiple submitters, no conflicts (2 of 4 stars). 2 submissions from 2 submitters: Uncertain significance (2). Last evaluated 2025-01-22.

Conditions:
Inborn genetic diseases. Identifiers: MedGen C0950123, MeSH D030342.
RP1L1-related disorder. Also called: RP1L1-related condition.

Allele frequency attached by ClinVar (database versions not stated): gnomAD exomes 0.00001; ExAC 0.00002; gnomAD 0.00002; TOPMed 0.00006.
gnomAD v4.1: 8 of 1,614,126 alleles (0.0005%); highest among the groups gnomAD compares: African/African-American, 0.011%; no homozygotes.

Submissions (2):

PreventionGenetics, part of Exact Sciences
Classification: Uncertain significance for RP1L1-related condition. Last evaluated: 2025-01-22. Review status: criteria provided, single submitter. Criteria: ACMG Guidelines, 2015. Collection method: clinical testing. Allele origin: germline.
Comment: The RP1L1 c.7067C>T variant is predicted to result in the amino acid substitution p.Pro2356Leu. To our knowledge, this variant has not been reported in the literature. This variant is reported in 0.019% of alleles in individuals of African descent in gnomAD. At this time, the clinical significance of this variant is uncertain due to the absence of conclusive functional and genetic evidence.

Ambry Genetics
Classification: Uncertain significance for Inborn genetic diseases. Last evaluated: 2024-02-13. Review status: criteria provided, single submitter. Criteria: Ambry Variant Classification Scheme 2023. Collection method: clinical testing. Allele origin: germline.